The following is an entry in ClinVar:

ClinVar aggregate classification (germline): Uncertain significance. Review status: criteria provided, multiple submitters, no conflicts (2 of 4 stars). 3 submissions from 3 submitters: Uncertain significance (3). Last evaluated 2025-05-29.

Conditions:
Familial melanoma. Also called: Hereditary melanoma; Hereditary cutaneous melanoma. Identifiers: Orphanet 618, MedGen C1512419, MONDO:0018961.
Hereditary cancer-predisposing syndrome. Also called: Tumor predisposition; Hereditary neoplastic syndrome; Neoplastic Syndromes, Hereditary; Hereditary Cancer Syndrome. Identifiers: Orphanet 140162, MedGen C0027672, MeSH D009386, MONDO:0015356.

Allele frequency attached by ClinVar (database versions not stated): ExAC 0.00001.

Submissions (3):

Ambry Genetics
Classification: Uncertain significance for Hereditary cancer-predisposing syndrome. Last evaluated: 2025-05-29. Review status: criteria provided, single submitter. Criteria: Ambry Variant Classification Scheme 2023. Collection method: clinical testing. Allele origin: germline.
Comment: The p.Q53R variant (also known as c.158A>G), located in coding exon 1 of the CDKN2A (p14ARF) gene, results from an A to G substitution at nucleotide position 158. The glutamine at codon 53 is replaced by arginine, an amino acid with highly similar properties. This amino acid position is not well conserved in available vertebrate species. Based on the available evidence, the clinical significance of this variant remains unclear.

Sema4
Classification: Uncertain significance for Hereditary cancer-predisposing syndrome. Last evaluated: 2022-01-25. Review status: criteria provided, single submitter. Criteria: Sema4 Curation Guidelines. Collection method: curation. Allele origin: germline.
Comment: The CDKN2A c.158A>G (p.Q53R) variant has not been reported in the literature to our knowledge. This variant was observed in 1/234738 chromosomes across the different populations included in the Genome Aggregation Database (PMID: 32461654). The variant has been reported in ClinVar (Variation ID: 649679). Functional studies have not been performed, and in silico predictions of the variant's effect on protein function are inconclusive. The evidence is insufficient to meet ACMG/AMP criteria for classifying the variant as benign or pathogenic. Thus, the clinical significance of this variant is currently uncertain.

Labcorp Genetics (formerly Invitae), Labcorp
Classification: Uncertain significance for Familial melanoma. Last evaluated: 2021-10-01. Review status: criteria provided, single submitter. Criteria: Invitae Variant Classification Sherloc (09022015). Collection method: clinical testing. Allele origin: germline.
Comment: This sequence change replaces glutamine with arginine at codon 53 of the CDKN2A (p14ARF) protein (p.Gln53Arg). The glutamine residue is weakly conserved and there is a small physicochemical difference between glutamine and arginine. This variant is present in population databases (rs772048734, ExAC 0.002%). This variant has not been reported in the literature in individuals affected with CDKN2A (p14ARF)-related conditions. Algorithms developed to predict the effect of missense changes on protein structure and function output the following: SIFT: "Tolerated"; PolyPhen-2: "Benign"; Align-GVGD: "Class C0". The arginine amino acid residue is found in multiple mammalian species, which suggests that this missense change does not adversely affect protein function. In summary, the available evidence is currently insufficient to determine the role of this variant in disease. Therefore, it has been classified as a Variant of Uncertain Significance.

NM_058195.4(CDKN2A):c.158A>G (p.Gln53Arg)

Gene: CDKN2A (cyclin dependent kinase inhibitor 2A; minus strand). Cytogenetic location: 9p21.3.
Variant type: single nucleotide variant.
Coding change: c.158A>G on transcript NM_058195.4 (MANE Plus Clinical); coding-DNA position 158, A replaced by G.
Protein change: p.Gln53Arg; replaces glutamine 53 with arginine.
Molecular consequence: missense variant. On other transcripts: intron variant (1).
Genome position (GRCh38, 1-based): chr9:21,994,174, T>C on the plus strand (A>G on the coding strand, the complement: CDKN2A is on the minus strand). VCF-style: chr9-21994174-T-C. GRCh37 (hg19) VCF-style: chr9-21994173-T-C.
Other names: c.-4+647A>G (NM_001363763.2); short protein forms Q53R.
Identifiers: ClinVar variation 649679 (VCV000649679.6), dbSNP rs772048734, ClinGen allele CA5012380.